The following is an entry in ClinVar:

ClinVar aggregate classification (germline): Uncertain significance. Review status: criteria provided, multiple submitters, no conflicts (2 of 4 stars). 2 submissions from 2 submitters: Uncertain significance (2). Last evaluated 2025-12-11.

Conditions:
Hermansky-Pudlak syndrome 2 (HPS2). Also called: Platelet defects and oculocutaneous albinism. Identifiers: Orphanet 183678, Orphanet 79430, MedGen C1842362, MONDO:0011997, OMIM 608233.
Inborn genetic diseases. Identifiers: MedGen C0950123, MeSH D030342.

Allele frequency attached by ClinVar (database versions not stated): gnomAD 0.00001; gnomAD exomes 0.00003; TOPMed 0.00003; ExAC 0.00004.
gnomAD v4.1: 41 of 1,612,686 alleles (0.0025%); highest among the groups gnomAD compares: Middle Eastern, 0.016%; no homozygotes.

Submissions (2):

Ambry Genetics
Classification: Uncertain significance for Inborn genetic diseases. Last evaluated: 2025-12-11. Review status: criteria provided, single submitter. Criteria: Ambry Variant Classification Scheme 2023. Collection method: clinical testing. Allele origin: germline.

Labcorp Genetics (formerly Invitae), Labcorp
Classification: Uncertain significance for Hermansky-Pudlak syndrome 2. Last evaluated: 2022-10-17. Review status: criteria provided, single submitter. Criteria: Invitae Variant Classification Sherloc (09022015). Collection method: clinical testing. Allele origin: germline.
Comment: This sequence change replaces isoleucine, which is neutral and non-polar, with valine, which is neutral and non-polar, at codon 628 of the AP3B1 protein (p.Ile628Val). This variant is present in population databases (rs767098447, gnomAD 0.006%). This variant has not been reported in the literature in individuals affected with AP3B1-related conditions. Algorithms developed to predict the effect of missense changes on protein structure and function (SIFT, PolyPhen-2, Align-GVGD) all suggest that this variant is likely to be tolerated. In summary, the available evidence is currently insufficient to determine the role of this variant in disease. Therefore, it has been classified as a Variant of Uncertain Significance.

NM_003664.5(AP3B1):c.1882A>G (p.Ile628Val)

Gene: AP3B1 (adaptor related protein complex 3 subunit beta 1; minus strand). Cytogenetic location: 5q14.1.
Variant type: single nucleotide variant.
Coding change: c.1882A>G on transcript NM_003664.5 (MANE Select); coding-DNA position 1882, A replaced by G.
Protein change: p.Ile628Val; replaces isoleucine 628 with valine.
Molecular consequence: missense variant.
Genome position (GRCh38, 1-based): chr5:78,128,116, T>C on the plus strand (A>G on the coding strand, the complement: AP3B1 is on the minus strand). VCF-style: chr5-78128116-T-C. GRCh37 (hg19) VCF-style: chr5-77423940-T-C.
Other names: c.1735A>G, p.Ile579Val (NM_001271769.2); c.1882A>G, p.Ile628Val (NM_001410752.1); c.1882A>G (NM_003664.3); short protein forms I579V, I628V.
Identifiers: ClinVar variation 1911225 (VCV001911225.3), dbSNP rs767098447, ClinGen allele CA3316928.
Genomic context (GRCh38, chr5:78,128,116, plus strand): 5'-CTGATGGGTCGGGCGCCACCTCTGGCCAATTAGATAATTCCAGGTACCCAGTAGCTTTAA[T>C]GTTGAGAGTATGAGATAAGGTGCCAAGCTGGAAATGATCTCTATCTATTAAAAATAGGGA-3'
Protein context (NP_003655.3, residues 618-638): QLGTLSHTLN[Ile628Val]KATGYLELSN